The following is an entry in ClinVar:

ClinVar aggregate classification (germline): Uncertain significance (1 of 4 stars; one submission).

Conditions:
Hereditary cancer-predisposing syndrome. Also called: Hereditary Cancer Syndrome; Tumor predisposition; Hereditary neoplastic syndrome; Neoplastic Syndromes, Hereditary. Identifiers: Orphanet 140162, MedGen C0027672, MeSH D009386, MONDO:0015356.

Submission:

Ambry Genetics
Classification: Uncertain significance for Hereditary cancer-predisposing syndrome. Last evaluated: 2024-11-08. Review status: criteria provided, single submitter. Criteria: Ambry Variant Classification Scheme 2023. Collection method: clinical testing. Allele origin: germline.
Comment: The p.P231S variant (also known as c.691C>T), located in coding exon 4 of the MSH3 gene, results from a C to T substitution at nucleotide position 691. The proline at codon 231 is replaced by serine, an amino acid with similar properties. This amino acid position is highly conserved in available vertebrate species. In addition, this alteration is predicted to be deleterious by in silico analysis. Based on the available evidence, the clinical significance of this variant remains unclear.

NM_002439.5(MSH3):c.691C>T (p.Pro231Ser)

Gene: MSH3 (mutS homolog 3; plus strand). Cytogenetic location: 5q14.1.
Variant type: single nucleotide variant.
Coding change: c.691C>T on transcript NM_002439.5 (MANE Select); coding-DNA position 691, C replaced by T.
Protein change: p.Pro231Ser; replaces proline 231 with serine.
Molecular consequence: missense variant.
Genome position (GRCh38, 1-based): chr5:80,670,208, C>T. VCF-style: chr5-80670208-C-T. GRCh37 (hg19) VCF-style: chr5-79966027-C-T.
Other names: short protein forms P231S.
Identifiers: ClinVar variation 3398752 (VCV003398752.1).